The following is an entry in ClinVar:

NM_001010942.3(RAP1B):c.274G>T (p.Asp92Tyr)

Gene: RAP1B (RAP1B, member of RAS oncogene family; plus strand). Cytogenetic location: 12q15.
Variant type: single nucleotide variant.
Coding change: c.274G>T on transcript NM_001010942.3 (MANE Select); coding-DNA position 274, G replaced by T.
Protein change: p.Asp92Tyr; replaces aspartic acid 92 with tyrosine.
Molecular consequence: missense variant. On other transcripts: intron variant (1).
Genome position (GRCh38, 1-based): chr12:68,654,202, G>T. VCF-style: chr12-68654202-G-T. GRCh37 (hg19) VCF-style: chr12-69047982-G-T.
Other names: c.148G>T, p.Asp50Tyr (NM_001251917.2, NM_001251918.2); c.217G>T, p.Asp73Tyr (NM_001251921.2); c.274G>T, p.Asp92Tyr (NM_015646.6); c.184-2104G>T (NM_001251922.2); short protein forms D50Y, D73Y, D92Y.
Identifiers: ClinVar variation 4056836 (VCV004056836.1).

ClinVar aggregate classification (germline): Uncertain significance (1 of 4 stars; one submission).

Submission:

GeneDx
Classification: Uncertain significance. Last evaluated: 2025-01-10. Review status: criteria provided, single submitter. Criteria: GeneDx Variant Classification Process June 2021. Collection method: clinical testing. Allele origin: germline. Affected: yes.
Comment: Not observed at significant frequency in large population cohorts (gnomAD); In silico analysis supports that this missense variant has a deleterious effect on protein structure/function; Has not been previously published as pathogenic or benign to our knowledge